The following is an entry in ClinVar:

ClinVar aggregate classification (germline): Uncertain significance. Review status: criteria provided, multiple submitters, no conflicts (2 of 4 stars). 2 submissions from 2 submitters: Uncertain significance (2). Last evaluated 2025-08-27.

Conditions:
Inborn genetic diseases. Identifiers: MedGen C0950123, MeSH D030342.
Combined immunodeficiency due to LRBA deficiency. Also called: Common variable immunodeficiency 8, with autoimmunity. Identifiers: Orphanet 445018, MedGen C3553512, MONDO:0013863, OMIM 614700.

Allele frequency attached by ClinVar (database versions not stated): gnomAD exomes below 0.00001; ExAC 0.00001; gnomAD 0.00001.
gnomAD v4.1: 10 of 1,612,446 alleles (0.00062%); highest among the groups gnomAD compares: African/African-American, 0.0013%; no homozygotes.

Submissions (2):

Ambry Genetics
Classification: Uncertain significance for Inborn genetic diseases. Last evaluated: 2025-08-27. Review status: criteria provided, single submitter. Criteria: Ambry Variant Classification Scheme 2023. Collection method: clinical testing. Allele origin: germline.

Labcorp Genetics (formerly Invitae), Labcorp
Classification: Uncertain significance for Combined immunodeficiency due to LRBA deficiency. Last evaluated: 2021-09-01. Review status: criteria provided, single submitter. Criteria: Invitae Variant Classification Sherloc (09022015). Collection method: clinical testing. Allele origin: germline.
Comment: This sequence change replaces tyrosine with cysteine at codon 2301 of the LRBA protein (p.Tyr2301Cys). The tyrosine residue is moderately conserved and there is a large physicochemical difference between tyrosine and cysteine. This variant is present in population databases (rs765459490, ExAC 0.002%). This variant has not been reported in the literature in individuals affected with LRBA-related conditions. Algorithms developed to predict the effect of missense changes on protein structure and function are either unavailable or do not agree on the potential impact of this missense change (SIFT: "Deleterious"; PolyPhen-2: "Probably Damaging"; Align-GVGD: "Class C0"). In summary, the available evidence is currently insufficient to determine the role of this variant in disease. Therefore, it has been classified as a Variant of Uncertain Significance.

NM_001364905.1(LRBA):c.6869A>G (p.Tyr2290Cys)

Gene: LRBA (LPS responsive beige-like anchor protein; minus strand). Cytogenetic location: 4q31.3.
Variant type: single nucleotide variant.
Coding change: c.6869A>G on transcript NM_001364905.1 (MANE Select); coding-DNA position 6869, A replaced by G.
Protein change: p.Tyr2290Cys; replaces tyrosine 2290 with cysteine.
Molecular consequence: missense variant.
Genome position (GRCh38, 1-based): chr4:150,436,776, T>C on the plus strand (A>G on the coding strand, the complement: LRBA is on the minus strand). VCF-style: chr4-150436776-T-C. GRCh37 (hg19) VCF-style: chr4-151357928-T-C.
Other names: c.6869A>G, p.Tyr2290Cys (NM_001199282.3, NM_001367550.1); c.6902A>G, p.Tyr2301Cys (NM_006726.5); short protein forms Y2290C, Y2301C.
Identifiers: ClinVar variation 1903350 (VCV001903350.3), dbSNP rs765459490, ClinGen allele CA3101791.